The following is an entry in ClinVar:

NM_003051.4(SLC16A1):c.973A>G (p.Ile325Val)

Gene: SLC16A1 (solute carrier family 16 member 1; minus strand). Cytogenetic location: 1p13.2.
Variant type: single nucleotide variant.
Coding change: c.973A>G on transcript NM_003051.4 (MANE Select); coding-DNA position 973, A replaced by G.
Protein change: p.Ile325Val; replaces isoleucine 325 with valine.
Molecular consequence: missense variant.
Genome position (GRCh38, 1-based): chr1:112,917,433, T>C on the plus strand (A>G on the coding strand, the complement: SLC16A1 is on the minus strand). VCF-style: chr1-112917433-T-C. GRCh37 (hg19) VCF-style: chr1-113460055-T-C.
Other names: c.973A>G, p.Ile325Val (NM_001166496.2); short protein forms I325V.
Identifiers: ClinVar variation 712920 (VCV000712920.30), dbSNP rs116216229, ClinGen allele CA1011354.
Genomic context (GRCh38, chr1:112,917,433, plus strand): 5'-TATGACACACTCCATTTGCAACAACGGAAGCCGCAAAGAAATACTGAATTCGAGGTCTTA[T>C]TGGCTTTGTGTTGGCTACAAGTCCCATAGATGGTCGGGCTACCATGTCAACAAAAGCCAG-3'
Protein context (NP_003042.3, residues 315-335): SMGLVANTKP[Ile325Val]RPRIQYFFAA

ClinVar aggregate classification (germline): Benign/Likely benign. Review status: criteria provided, multiple submitters, no conflicts (2 of 4 stars). 6 submissions from 6 submitters: Benign (2); Likely benign (3). 1 of the submissions does not count toward it. Last evaluated 2026-01-27.

Conditions:
SLC16A1-related disorder. Also called: SLC16A1-related disorders; SLC16A1-related condition.
Exercise-induced hyperinsulinism (HHF7). Identifiers: Orphanet 165991, MedGen C1864902, MONDO:0012396, OMIM 610021.
Ketoacidosis due to monocarboxylate transporter-1 deficiency. Also called: Monocarboxylate transporter 1 deficiency. Identifiers: Orphanet 438075, MedGen C4015186, MONDO:0014490, OMIM 616095.
Metabolic myopathy due to lactate transporter defect. Also called: LACTATE TRANSPORTER DEFECT, MYOPATHY DUE TO. Identifiers: Orphanet 171690, MedGen C1855577, MONDO:0009501, OMIM 245340.

Allele frequency attached by ClinVar (database versions not stated): gnomAD exomes 0.00039 and 0.00104; ExAC 0.00122; gnomAD 0.00386 and 0.00409; TOPMed 0.00432; ESP Exome Variant Server 0.00484; 1000 Genomes Project 0.00519; 1000 Genomes Project 30x 0.00578.

Submissions (7):

Labcorp Genetics (formerly Invitae), Labcorp
Classification: Benign. Last evaluated: 2026-01-27. Review status: criteria provided, single submitter. Criteria: Invitae Variant Classification Sherloc (09022015). Collection method: clinical testing. Allele origin: germline.

CeGaT Center for Human Genetics Tuebingen
Classification: Likely benign. Last evaluated: 2024-08-01. Review status: criteria provided, single submitter. Criteria: CeGaT Center For Human Genetics Tuebingen Variant Classification Criteria Version 2. Collection method: clinical testing. Allele origin: germline. Affected: yes. Observed: 1 variant allele.
Comment: SLC16A1: BP4, BS1

ARUP Laboratories, Molecular Genetics and Genomics, ARUP Laboratories
Classification: Likely benign. Last evaluated: 2023-08-08. Review status: criteria provided, single submitter. Criteria: ARUP Molecular Germline Variant Investigation Process 2024. Collection method: clinical testing. Allele origin: germline.

Fulgent Genetics
Classification: Likely benign for Metabolic myopathy due to lactate transporter defect; Exercise-induced hyperinsulinism; Ketoacidosis due to monocarboxylate transporter-1 deficiency. Last evaluated: 2021-09-09. Review status: criteria provided, single submitter. Criteria: ACMG Guidelines, 2015. Collection method: clinical testing. Allele origin: unknown.

Breakthrough Genomics
Classification: Benign. Review status: criteria provided, single submitter. Criteria: ACMG Guidelines, 2015. Collection method: not provided. Allele origin: germline. Inheritance: Autosomal recessive inheritance. Affected: yes.

PreventionGenetics, part of Exact Sciences
Classification: Benign for SLC16A1-related condition. Last evaluated: 2019-12-10. Review status: no assertion criteria provided. Collection method: clinical testing. Allele origin: germline. Not counted in ClinVar's aggregate classification.
Comment: This variant is classified as benign based on ACMG/AMP sequence variant interpretation guidelines (Richards et al. 2015 PMID: 25741868, with internal and published modifications).

Dr. Peter K. Rogan Lab, Western University
No classification provided (evidence only). Condition: Malignant tumor of urinary bladder. Review status: no classification provided. Collection method: in vitro. Allele origin: not applicable. Functional consequence: retained intron. Not counted in ClinVar's aggregate classification.